The following is an entry in ClinVar:

NM_080732.4(EGLN2):c.145C>T (p.His49Tyr)

Genes: EGLN2 (egl-9 family hypoxia inducible factor 2; plus strand), RAB4B-EGLN2 (RAB4B-EGLN2 readthrough (NMD candidate); plus strand). Cytogenetic location: 19q13.2.
Variant type: single nucleotide variant.
Coding change: c.145C>T on transcript NM_080732.4 (MANE Select); coding-DNA position 145, C replaced by T.
Protein change: p.His49Tyr; replaces histidine 49 with tyrosine.
Molecular consequence: missense variant. On other transcripts: non-coding transcript variant (1).
Genome position (GRCh38, 1-based): chr19:40,800,717, C>T. VCF-style: chr19-40800717-C-T. GRCh37 (hg19) VCF-style: chr19-41306622-C-T.
Other names: c.145C>T, p.His49Tyr (NM_053046.4); short protein forms H49Y.
Identifiers: ClinVar variation 1773121 (VCV001773121.2), dbSNP rs2083249526, ClinGen allele CA405954650.
Genomic context (GRCh38, chr19:40,800,717, plus strand): 5'-CCTGGCCGGGCCAGGATGGGAGTGGAGAGTTACCTGCCCTGTCCCCTGCTCCCCTCCTAC[C>T]ACTGTCCAGGAGTGCCTAGTGAGGCCTCGGCAGGGAGTGGGACCCCCAGAGCCACAGCCA-3'
Protein context (NP_542770.2, residues 39-59): YLPCPLLPSY[His49Tyr]CPGVPSEASA

ClinVar aggregate classification (germline): Uncertain significance (1 of 4 stars; one submission).

Allele frequency attached by ClinVar (database versions not stated): TOPMed below 0.00001.

Submission:

Ambry Genetics
Classification: Uncertain significance. Last evaluated: 2022-10-12. Review status: criteria provided, single submitter. Criteria: Ambry Variant Classification Scheme 2023. Collection method: clinical testing. Allele origin: germline.
Comment: The p.H49Y variant (also known as c.145C>T), located in coding exon 1 of the EGLN2 gene, results from a C to T substitution at nucleotide position 145. The histidine at codon 49 is replaced by tyrosine, an amino acid with similar properties. This amino acid position is conserved. In addition, this alteration is predicted to be tolerated by in silico analysis. Since supporting evidence is limited at this time, the clinical significance of this alteration remains unclear.